The following is an entry in ClinVar:

NM_004446.3(EPRS1):c.2548A>T (p.Ile850Leu)

Gene: EPRS1 (glutamyl-prolyl-tRNA synthetase 1; minus strand). Cytogenetic location: 1q41.
Variant type: single nucleotide variant.
Coding change: c.2548A>T on transcript NM_004446.3 (MANE Select); coding-DNA position 2548, A replaced by T.
Protein change: p.Ile850Leu; replaces isoleucine 850 with leucine.
Molecular consequence: missense variant.
Genome position (GRCh38, 1-based): chr1:219,988,817, T>A on the plus strand (A>T on the coding strand, the complement: EPRS1 is on the minus strand). VCF-style: chr1-219988817-T-A. GRCh37 (hg19) VCF-style: chr1-220162159-T-A.
Other names: c.2548A>T (NM_004446.2); short protein forms I850L.
Identifiers: ClinVar variation 1920609 (VCV001920609.6), dbSNP rs372022042, ClinGen allele CA1399943.
Genomic context (GRCh38, chr1:219,988,817, plus strand): 5'-TCCCAGTTTTTTCTTTATACTGAGCCTTCAGGGACAGTAAGCATTCTACAGCTTCATTTA[T>A]TTTAGCCTAAAATAAAAGAGAGAAAGAGATATTTATAAAACTTTGGAAATTTCTGGAAAT-3'
Protein context (NP_004437.2, residues 840-860): LKAEKSPKAK[Ile850Leu]NEAVECLLSL

ClinVar aggregate classification (germline): Uncertain significance. Review status: criteria provided, multiple submitters, no conflicts (2 of 4 stars). 2 submissions from 2 submitters: Uncertain significance (2). Last evaluated 2022-04-08.

Conditions:
Inborn genetic diseases. Identifiers: MedGen C0950123, MeSH D030342.

Allele frequency attached by ClinVar (database versions not stated): TOPMed below 0.00001; gnomAD 0.00001.
gnomAD v4.1: 27 of 1,579,502 alleles (0.0017%); highest among the groups gnomAD compares: South Asian, 0.031%; 1 homozygote.

Submissions (2):

Labcorp Genetics (formerly Invitae), Labcorp
Classification: Uncertain significance. Last evaluated: 2022-04-08. Review status: criteria provided, single submitter. Criteria: Invitae Variant Classification Sherloc (09022015). Collection method: clinical testing. Allele origin: germline.
Comment: In summary, the available evidence is currently insufficient to determine the role of this variant in disease. Therefore, it has been classified as a Variant of Uncertain Significance. Algorithms developed to predict the effect of missense changes on protein structure and function (SIFT, PolyPhen-2, Align-GVGD) all suggest that this variant is likely to be tolerated. This variant has not been reported in the literature in individuals affected with EPRS-related conditions. This variant is present in population databases (rs372022042, gnomAD 0.02%). This sequence change replaces isoleucine, which is neutral and non-polar, with leucine, which is neutral and non-polar, at codon 850 of the EPRS protein (p.Ile850Leu).

Ambry Genetics
Classification: Uncertain significance for Inborn genetic diseases. Last evaluated: 2022-02-10. Review status: criteria provided, single submitter. Criteria: Ambry Variant Classification Scheme 2023. Collection method: clinical testing. Allele origin: germline.